The following is an entry in ClinVar:

NM_004958.4(MTOR):c.2327T>C (p.Leu776Pro)

Gene: MTOR (mechanistic target of rapamycin kinase; minus strand). Cytogenetic location: 1p36.22.
Variant type: single nucleotide variant.
Coding change: c.2327T>C on transcript NM_004958.4 (MANE Select); coding-DNA position 2327, T replaced by C.
Protein change: p.Leu776Pro; replaces leucine 776 with proline.
Molecular consequence: missense variant.
Genome position (GRCh38, 1-based): chr1:11,234,147, A>G on the plus strand (T>C on the coding strand, the complement: MTOR is on the minus strand). VCF-style: chr1-11234147-A-G. GRCh37 (hg19) VCF-style: chr1-11294204-A-G.
Other names: c.2327T>C, p.Leu776Pro (NM_001386500.1); c.1079T>C, p.Leu360Pro (NM_001386501.1); short protein forms L776P, L360P.
Identifiers: ClinVar variation 2832863 (VCV002832863.3), dbSNP rs2523286050, ClinGen allele CA338384527.

ClinVar aggregate classification (germline): Uncertain significance (1 of 4 stars; one submission).

Submission:

Labcorp Genetics (formerly Invitae), Labcorp
Classification: Uncertain significance. Last evaluated: 2023-03-07. Review status: criteria provided, single submitter. Criteria: Invitae Variant Classification Sherloc (09022015). Collection method: clinical testing. Allele origin: germline.
Comment: This sequence change replaces leucine, which is neutral and non-polar, with proline, which is neutral and non-polar, at codon 776 of the MTOR protein (p.Leu776Pro). This variant is not present in population databases (gnomAD no frequency). This variant has not been reported in the literature in individuals affected with MTOR-related conditions. Advanced modeling of protein sequence and biophysical properties (such as structural, functional, and spatial information, amino acid conservation, physicochemical variation, residue mobility, and thermodynamic stability) performed at Invitae indicates that this missense variant is not expected to disrupt MTOR protein function. In summary, the available evidence is currently insufficient to determine the role of this variant in disease. Therefore, it has been classified as a Variant of Uncertain Significance.